The following is an entry in ClinVar:

ClinVar aggregate classification (germline): Pathogenic (1 of 4 stars; one submission).

Submission:

GeneDx
Classification: Pathogenic. Last evaluated: 2022-01-11. Review status: criteria provided, single submitter. Criteria: GeneDx Variant Classification Process June 2021. Collection method: clinical testing. Allele origin: germline. Affected: yes.
Comment: Canonical splice site variant predicted to result in a null allele in a gene for which loss-of-function is a known mechanism of disease; Not observed at significant frequency in large population cohorts (gnomAD); Reported as true positive unique variant in a cohort of individuals with inborn errors of metabolism (Adhikari et al., 2020); This variant is associated with the following publications: (PMID: 32778825)

NM_000182.5(HADHA):c.918+2T>A

Gene: HADHA (hydroxyacyl-CoA dehydrogenase trifunctional multienzyme complex subunit alpha; minus strand). Cytogenetic location: 2p23.3.
Variant type: single nucleotide variant.
Coding change: c.918+2T>A on transcript NM_000182.5 (MANE Select); the canonical splice donor site of the intron after coding-DNA position 918, T replaced by A.
Molecular consequence: splice donor variant.
Genome position (GRCh38, 1-based): chr2:26,214,441, A>T on the plus strand (T>A on the coding strand, the complement: HADHA is on the minus strand). VCF-style: chr2-26214441-A-T. GRCh37 (hg19) VCF-style: chr2-26437310-A-T.
Identifiers: ClinVar variation 1695860 (VCV001695860.2), dbSNP rs2147769502, ClinGen allele CA346091169.